The following is an entry in ClinVar:

ClinVar aggregate classification (germline): Uncertain significance (1 of 4 stars; one submission).

gnomAD v4.1: 2 of 1,613,922 alleles (0.00012%); highest among the groups gnomAD compares: Middle Eastern, 0.033%; no homozygotes.

Submission:

Dasa
Classification: Uncertain significance. Last evaluated: 2025-09-19. Review status: criteria provided, single submitter. Criteria: DASA Assertion Criteria. Collection method: clinical testing. Allele origin: germline.
Comment: NM_001258021.2(GRIA1):c.114G>C (p.Trp38Cys) is a missense variant that results in the substitution of tryptophan with cysteine. This variant is rare in population databases. The currently available literature and clinical evidence are not sufficient to establish a definitive association between this variant and the reported condition. Therefore, this variant is classified as a variant of uncertain significance.

NM_000827.4(GRIA1):c.84G>C (p.Gly28=)

Gene: GRIA1 (glutamate ionotropic receptor AMPA type subunit 1; plus strand). Cytogenetic location: 5q33.2.
Variant type: single nucleotide variant.
Coding change: c.84G>C on transcript NM_000827.4 (MANE Select); coding-DNA position 84, G replaced by C.
Protein change: p.Gly28=; no amino-acid change (glycine 28 retained).
Molecular consequence: synonymous variant. On other transcripts: 5 prime UTR variant (3), missense variant (3), non-coding transcript variant (1).
Genome position (GRCh38, 1-based): chr5:153,493,929, G>C. VCF-style: chr5-153493929-G-C. GRCh37 (hg19) VCF-style: chr5-152873489-G-C.
Other names: c.84G>C, p.Gly28= (NM_001114183.2, NM_001258019.2, NM_001364165.2); c.-259G>C (NM_001258020.2); c.114G>C, p.Trp38Cys (NM_001258021.2, NM_001258022.2); c.-124G>C (NM_001258023.1, NM_001364167.2); c.111G>C, p.Trp37Cys (NM_001364166.2); short protein forms W37C, W38C.
Identifiers: ClinVar variation 4886721 (VCV004886721.2).